The following is an entry in ClinVar:

ClinVar aggregate classification (germline): Uncertain significance (1 of 4 stars; one submission).

Conditions:
Renal cell carcinoma. Identifiers: Orphanet 217071, MedGen C0007134, MeSH D002292, MONDO:0005086, HP:0005584.

Submission:

Labcorp Genetics (formerly Invitae), Labcorp
Classification: Uncertain significance for Renal cell carcinoma. Last evaluated: 2024-03-07. Review status: criteria provided, single submitter. Criteria: Invitae Variant Classification Sherloc (09022015). Collection method: clinical testing. Allele origin: germline.
Comment: This sequence change replaces asparagine, which is neutral and polar, with aspartic acid, which is acidic and polar, at codon 1392 of the MET protein (p.Asn1392Asp). This variant is not present in population databases (gnomAD no frequency). This variant has not been reported in the literature in individuals affected with MET-related conditions. ClinVar contains an entry for this variant (Variation ID: 1721632). Algorithms developed to predict the effect of missense changes on protein structure and function output the following: SIFT: "Not Available"; PolyPhen-2: "Benign"; Align-GVGD: "Not Available". The aspartic acid amino acid residue is found in multiple mammalian species, which suggests that this missense change does not adversely affect protein function. In summary, the available evidence is currently insufficient to determine the role of this variant in disease. Therefore, it has been classified as a Variant of Uncertain Significance.

NM_000245.4(MET):c.4120A>G (p.Asn1374Asp)

Gene: MET (MET proto-oncogene, receptor tyrosine kinase; plus strand). Cytogenetic location: 7q31.2.
Variant type: single nucleotide variant.
Coding change: c.4120A>G on transcript NM_000245.4 (MANE Select); coding-DNA position 4120, A replaced by G.
Protein change: p.Asn1374Asp; replaces asparagine 1374 with aspartic acid.
Molecular consequence: missense variant.
Genome position (GRCh38, 1-based): chr7:116,796,071, A>G. VCF-style: chr7-116796071-A-G. GRCh37 (hg19) VCF-style: chr7-116436125-A-G.
Other names: c.4174A>G, p.Asn1392Asp (NM_001127500.3); c.2830A>G, p.Asn944Asp (NM_001324402.2); short protein forms N1374D, N1392D, N944D.
Identifiers: ClinVar variation 1721632 (VCV001721632.5), dbSNP rs2117113275, ClinGen allele CA369118431.
Genomic context (GRCh38, chr7:116,796,071, plus strand): 5'-GCTACTTATGTGAACGTAAAATGTGTCGCTCCGTATCCTTCTCTGTTGTCATCAGAAGAT[A>G]ACGCTGATGATGAGGTGGACACACGACCAGCCTCCTTCTGGGAGACATCATAGTGCTAGT-3'
Protein context (NP_000236.2, residues 1364-1384): PYPSLLSSED[Asn1374Asp]ADDEVDTRPA